The following is an entry in ClinVar:

NM_004036.5(ADCY3):c.1038G>A (p.Glu346=)

Gene: ADCY3 (adenylate cyclase 3; minus strand). Cytogenetic location: 2p23.3.
Variant type: single nucleotide variant.
Coding change: c.1038G>A on transcript NM_004036.5 (MANE Select); coding-DNA position 1038, G replaced by A.
Protein change: p.Glu346=; no amino-acid change (glutamic acid 346 retained).
Molecular consequence: synonymous variant.
Genome position (GRCh38, 1-based): chr2:24,841,586, C>T on the plus strand (G>A on the coding strand, the complement: ADCY3 is on the minus strand). VCF-style: chr2-24841586-C-T. GRCh37 (hg19) VCF-style: chr2-25064455-C-T.
Other names: c.1038G>A, p.Glu346= (NM_001320613.2, NM_001377128.1, NM_001377129.1 and 2 more transcripts); c.315G>A, p.Glu105= (NM_001377131.1).
Identifiers: ClinVar variation 3352894 (VCV003352894.1).

ClinVar aggregate classification (germline): Likely benign (0 of 4 stars; one submission).

Conditions:
ADCY3-related disorder. Also called: ADCY3-related condition.

gnomAD v4.1: 1 of 1,613,470 alleles (0.000062%); highest among the groups gnomAD compares: African/African-American, 0.0013%; no homozygotes.

Submission:

PreventionGenetics, part of Exact Sciences
Classification: Likely benign for ADCY3-related condition. Last evaluated: 2023-05-09. Review status: no assertion criteria provided. Collection method: clinical testing. Allele origin: germline.
Comment: This variant is classified as likely benign based on ACMG/AMP sequence variant interpretation guidelines (Richards et al. 2015 PMID: 25741868, with internal and published modifications).